The following is an entry in ClinVar:

ClinVar aggregate classification (germline): Uncertain significance. Review status: criteria provided, multiple submitters, no conflicts (2 of 4 stars). 2 submissions from 2 submitters: Uncertain significance (2). Last evaluated 2022-07-30.

Allele frequency attached by ClinVar (database versions not stated): TOPMed below 0.00001; gnomAD 0.00001; gnomAD exomes 0.00001.
gnomAD v4.1: 12 of 1,609,218 alleles (0.00075%); highest among the groups gnomAD compares: African/African-American, 0.0013%; no homozygotes.

Submissions (2):

Labcorp Genetics (formerly Invitae), Labcorp
Classification: Uncertain significance. Last evaluated: 2022-07-30. Review status: criteria provided, single submitter. Criteria: Invitae Variant Classification Sherloc (09022015). Collection method: clinical testing. Allele origin: germline.
Comment: Algorithms developed to predict the effect of missense changes on protein structure and function (SIFT, PolyPhen-2, Align-GVGD) all suggest that this variant is likely to be disruptive. In summary, the available evidence is currently insufficient to determine the role of this variant in disease. Therefore, it has been classified as a Variant of Uncertain Significance. This sequence change replaces glycine, which is neutral and non-polar, with arginine, which is basic and polar, at codon 117 of the C8orf37 protein (p.Gly117Arg). This variant is not present in population databases (gnomAD no frequency). This variant has not been reported in the literature in individuals affected with C8orf37-related conditions.

Blueprint Genetics
Classification: Uncertain significance. Last evaluated: 2021-04-06. Review status: criteria provided, single submitter. Criteria: ACMG Guidelines, 2015. Collection method: clinical testing. Allele origin: germline.

NM_177965.4(CFAP418):c.349G>A (p.Gly117Arg)

Gene: CFAP418 (cilia and flagella associated protein 418; minus strand). Cytogenetic location: 8q22.1.
Variant type: single nucleotide variant.
Coding change: c.349G>A on transcript NM_177965.4 (MANE Select); coding-DNA position 349, G replaced by A.
Protein change: p.Gly117Arg; replaces glycine 117 with arginine.
Molecular consequence: missense variant.
Genome position (GRCh38, 1-based): chr8:95,259,865, C>T on the plus strand (G>A on the coding strand, the complement: CFAP418 is on the minus strand). VCF-style: chr8-95259865-C-T. GRCh37 (hg19) VCF-style: chr8-96272093-C-T.
Other names: c.349G>A, p.Gly117Arg (NM_001363260.1); short protein forms G117R.
Identifiers: ClinVar variation 2052243 (VCV002052243.5), dbSNP rs903043902, ClinGen allele CA182089294.